The following is an entry in ClinVar:

ClinVar aggregate classification (germline): Uncertain significance (1 of 4 stars; one submission).

Conditions:
Juvenile polyposis syndrome (JPS). Identifiers: Orphanet 2929, MedGen C0345893, MONDO:0017380, OMIM 174900.

Submission:

Labcorp Genetics (formerly Invitae), Labcorp
Classification: Uncertain significance for Juvenile polyposis syndrome. Last evaluated: 2023-07-07. Review status: criteria provided, single submitter. Criteria: Invitae Variant Classification Sherloc (09022015). Collection method: clinical testing. Allele origin: germline.
Comment: This sequence change replaces asparagine, which is neutral and polar, with aspartic acid, which is acidic and polar, at codon 285 of the SMAD4 protein (p.Asn285Asp). In summary, the available evidence is currently insufficient to determine the role of this variant in disease. Therefore, it has been classified as a Variant of Uncertain Significance. Advanced modeling of protein sequence and biophysical properties (such as structural, functional, and spatial information, amino acid conservation, physicochemical variation, residue mobility, and thermodynamic stability) has been performed at Invitae for this missense variant, however the output from this modeling did not meet the statistical confidence thresholds required to predict the impact of this variant on SMAD4 protein function. This variant has not been reported in the literature in individuals affected with SMAD4-related conditions. This variant is not present in population databases (gnomAD no frequency).

NM_005359.6(SMAD4):c.853A>G (p.Asn285Asp)

Gene: SMAD4 (SMAD family member 4; plus strand). Cytogenetic location: 18q21.2.
Variant type: single nucleotide variant.
Coding change: c.853A>G on transcript NM_005359.6 (MANE Select); coding-DNA position 853, A replaced by G.
Protein change: p.Asn285Asp; replaces asparagine 285 with aspartic acid.
Molecular consequence: missense variant. On other transcripts: non-coding transcript variant (2).
Genome position (GRCh38, 1-based): chr18:51,058,405, A>G. VCF-style: chr18-51058405-A-G. GRCh37 (hg19) VCF-style: chr18-48584775-A-G.
Other names: c.853A>G, p.Asn285Asp (NM_001407041.1, NM_001407042.1, NM_001407043.1); short protein forms N285D.
Identifiers: ClinVar variation 2736833 (VCV002736833.3), dbSNP rs2144429015, ClinGen allele CA402463511.
Genomic context (GRCh38, chr18:51,058,405, plus strand): 5'-ACTACCACCTGGACTGGAAGTAGGACTGCACCATACACACCTAATTTGCCTCACCACCAA[A>G]ACGGCCATCTTCAGCACCACCCGCCTATGCCGCCCCATCCCGGACATTACTGTAAGCTCT-3'
Protein context (NP_005350.1, residues 275-295): PYTPNLPHHQ[Asn285Asp]GHLQHHPPMP